The following is an entry in ClinVar:

ClinVar aggregate classification (germline): Benign/Likely benign. Review status: criteria provided, multiple submitters, no conflicts (2 of 4 stars). 3 submissions from 3 submitters: Benign (1); Likely benign (2). Last evaluated 2025-12-29.

Conditions:
Hereditary cancer-predisposing syndrome. Also called: Hereditary Cancer Syndrome; Hereditary neoplastic syndrome; Neoplastic Syndromes, Hereditary; Tumor predisposition. Identifiers: Orphanet 140162, MedGen C0027672, MeSH D009386, MONDO:0015356.
Renal cell carcinoma. Identifiers: Orphanet 217071, MedGen C0007134, MeSH D002292, MONDO:0005086, HP:0005584.
Papillary renal cell carcinoma type 1 (RCCP1). Also called: Renal adenocarcinoma; Renal cell carcinoma 1; Renal cell carcinoma, somatic; RENAL CELL CARCINOMA, PAPILLARY, 1, SOMATIC. Identifiers: Orphanet 47044, MedGen C1336839, OMIM 605074, HP:0011797.

Allele frequency attached by ClinVar (database versions not stated): TOPMed 0.00001.

Submissions (3):

Labcorp Genetics (formerly Invitae), Labcorp
Classification: Likely benign for Renal cell carcinoma. Last evaluated: 2025-12-29. Review status: criteria provided, single submitter. Criteria: Invitae Variant Classification Sherloc (09022015). Collection method: clinical testing. Allele origin: germline.

Myriad Genetics, Inc.
Classification: Benign for Papillary renal cell carcinoma type 1. Last evaluated: 2024-11-15. Review status: criteria provided, single submitter. Criteria: Myriad Autosomal Dominant, Autosomal Recessive and X-Linked Classification Criteria (2023). Collection method: clinical testing. Allele origin: unknown.
Comment: This variant is considered benign. This variant is a silent/synonymous amino acid change and it is not expected to impact splicing.

Ambry Genetics
Classification: Likely benign for Hereditary cancer-predisposing syndrome. Last evaluated: 2022-01-23. Review status: criteria provided, single submitter. Criteria: Ambry Variant Classification Scheme 2023. Collection method: clinical testing. Allele origin: germline.

NM_000245.4(MET):c.4146A>G (p.Arg1382=)

Gene: MET (MET proto-oncogene, receptor tyrosine kinase; plus strand). Cytogenetic location: 7q31.2.
Variant type: single nucleotide variant.
Coding change: c.4146A>G on transcript NM_000245.4 (MANE Select); coding-DNA position 4146, A replaced by G.
Protein change: p.Arg1382=; no amino-acid change (arginine 1382 retained).
Molecular consequence: synonymous variant.
Genome position (GRCh38, 1-based): chr7:116,796,097, A>G. VCF-style: chr7-116796097-A-G. GRCh37 (hg19) VCF-style: chr7-116436151-A-G.
Other names: c.4200A>G, p.Arg1400= (NM_001127500.3); c.2856A>G, p.Arg952= (NM_001324402.2).
Identifiers: ClinVar variation 1738659 (VCV001738659.6), dbSNP rs1185475324, ClinGen allele CA457462746.